The following is an entry in ClinVar:

ClinVar aggregate classification (germline): Likely benign (1 of 4 stars; one submission).

Submission:

CeGaT Center for Human Genetics Tuebingen
Classification: Likely benign. Last evaluated: 2023-04-01. Review status: criteria provided, single submitter. Criteria: CeGaT Center For Human Genetics Tuebingen Variant Classification Criteria Version 2. Collection method: clinical testing. Allele origin: germline. Affected: yes. Observed: 1 variant allele.
Comment: AC010327.2: PM2:Supporting, BP4, BP7

NM_173804.5(TMEM86B):c.298+123G>A

Gene: TMEM86B (transmembrane protein 86B; minus strand). Cytogenetic location: 19q13.42.
Variant type: single nucleotide variant.
Coding change: c.298+123G>A on transcript NM_173804.5 (MANE Select); 123 bases into the intron after coding-DNA position 298, G replaced by A.
Molecular consequence: intron variant.
Genome position (GRCh38, 1-based): chr19:55,228,068, C>T on the plus strand (G>A on the coding strand, the complement: TMEM86B is on the minus strand). VCF-style: chr19-55228068-C-T. GRCh37 (hg19) VCF-style: chr19-55739436-C-T.
Other names: c.295+123G>A (NM_001372013.1).
Identifiers: ClinVar variation 2650516 (VCV002650516.23), dbSNP rs1187967270, ClinGen allele CA509008936.